The following is an entry in ClinVar:

NM_006506.5(RASA2):c.277T>C (p.Phe93Leu)

Gene: RASA2 (RAS p21 protein activator 2; plus strand). Cytogenetic location: 3q23.
Variant type: single nucleotide variant.
Coding change: c.277T>C on transcript NM_006506.5 (MANE Select); coding-DNA position 277, T replaced by C.
Protein change: p.Phe93Leu; replaces phenylalanine 93 with leucine.
Molecular consequence: missense variant.
Genome position (GRCh38, 1-based): chr3:141,516,353, T>C. VCF-style: chr3-141516353-T-C. GRCh37 (hg19) VCF-style: chr3-141235195-T-C.
Other names: c.277T>C, p.Phe93Leu (NM_001303245.3, NM_001303246.3); short protein forms F93L.
Identifiers: ClinVar variation 3225605 (VCV003225605.1), dbSNP rs2478460591, ClinGen allele CA354780823.

ClinVar aggregate classification (germline): Uncertain significance (1 of 4 stars; one submission).

Submission:

Ambry Genetics
Classification: Uncertain significance. Last evaluated: 2023-11-21. Review status: criteria provided, single submitter. Criteria: Ambry Variant Classification Scheme 2023. Collection method: clinical testing. Allele origin: germline.
Comment: The p.F93L variant (also known as c.277T>C), located in coding exon 3 of the RASA2 gene, results from a T to C substitution at nucleotide position 277. The phenylalanine at codon 93 is replaced by leucine, an amino acid with highly similar properties. This amino acid position is conserved. In addition, the in silico prediction for this alteration is inconclusive. Since supporting evidence is limited at this time, the clinical significance of this alteration remains unclear.